The following is an entry in ClinVar:

ClinVar aggregate classification (germline): Uncertain significance (1 of 4 stars; one submission).

Conditions:
Pheochromocytoma. Also called: MAX-Related Hereditary Paraganglioma-Pheochromocytoma Syndrome. Identifiers: Orphanet 29072, MedGen C0031511, MONDO:0008233, OMIM 171300, HP:0002666.
Paragangliomas with sensorineural hearing loss. Identifiers: MedGen C1868633.
Cowden syndrome 3 (CWS3). Identifiers: Orphanet 201, MedGen CN166604, MONDO:0014045.
Carney-Stratakis syndrome. Also called: PARAGANGLIOMA AND GASTROINTESTINAL STROMAL TUMOR. Identifiers: Orphanet 97286, MedGen C1847319, MONDO:0011740, OMIM 606864.

Submission:

Labcorp Genetics (formerly Invitae), Labcorp
Classification: Uncertain significance for Carney-Stratakis syndrome; Paragangliomas with sensorineural hearing loss; Pheochromocytoma; Cowden syndrome 3. Last evaluated: 2023-02-03. Review status: criteria provided, single submitter. Criteria: Invitae Variant Classification Sherloc (09022015). Collection method: clinical testing. Allele origin: germline.
Comment: In summary, the available evidence is currently insufficient to determine the role of this variant in disease. Therefore, it has been classified as a Variant of Uncertain Significance. Algorithms developed to predict the effect of missense changes on protein structure and function (SIFT, PolyPhen-2, Align-GVGD) all suggest that this variant is likely to be tolerated. This variant has not been reported in the literature in individuals affected with SDHD-related conditions. This variant is not present in population databases (gnomAD no frequency). This sequence change replaces valine, which is neutral and non-polar, with leucine, which is neutral and non-polar, at codon 111 of the SDHD protein (p.Val111Leu).

NM_003002.4(SDHD):c.331G>C (p.Val111Leu)

Gene: SDHD (succinate dehydrogenase complex subunit D; plus strand). Cytogenetic location: 11q23.1.
Variant type: single nucleotide variant.
Coding change: c.331G>C on transcript NM_003002.4 (MANE Select); coding-DNA position 331, G replaced by C.
Protein change: p.Val111Leu; replaces valine 111 with leucine.
Molecular consequence: missense variant. On other transcripts: 3 prime UTR variant (1), non-coding transcript variant (1).
Genome position (GRCh38, 1-based): chr11:112,094,821, G>C. VCF-style: chr11-112094821-G-C. GRCh37 (hg19) VCF-style: chr11-111965545-G-C.
Other names: c.186G>C, p.Leu62Phe (NM_001276503.2); c.214G>C, p.Val72Leu (NM_001276504.2); c.*29G>C (NM_001276506.2); short protein forms L62F, V111L, V72L.
Identifiers: ClinVar variation 2943884 (VCV002943884.3), dbSNP rs201869798, ClinGen allele CA382618804.